The following is an entry in ClinVar:

ClinVar aggregate classification (germline): Conflicting classifications of pathogenicity. Review status: criteria provided, conflicting classifications (1 of 4 stars). 3 submissions from 3 submitters: Uncertain significance (1); Likely benign (2). Last evaluated 2025-10-12.

Conditions:
Inborn genetic diseases. Identifiers: MedGen C0950123, MeSH D030342.

Allele frequency attached by ClinVar (database versions not stated): 1000 Genomes Project 30x 0.00016; 1000 Genomes Project 0.00020; ExAC 0.00045; gnomAD exomes 0.00064 and 0.00128; ESP Exome Variant Server 0.00092; gnomAD 0.00092 and 0.00093; TOPMed 0.00092.
gnomAD v4.1: 2,035 of 1,614,126 alleles (0.13%); highest among the groups gnomAD compares: Non-Finnish European, 0.16%; 1 homozygote.

Submissions (3):

Labcorp Genetics (formerly Invitae), Labcorp
Classification: Likely benign. Last evaluated: 2025-10-12. Review status: criteria provided, single submitter. Criteria: Invitae Variant Classification Sherloc (09022015). Collection method: clinical testing. Allele origin: germline.

CeGaT Center for Human Genetics Tuebingen
Classification: Likely benign. Last evaluated: 2022-04-01. Review status: criteria provided, single submitter. Criteria: CeGaT Center For Human Genetics Tuebingen Variant Classification Criteria Version 2. Collection method: clinical testing. Allele origin: germline. Affected: yes. Observed: 1 variant allele.
Comment: CENPF: BP4, BS1

Ambry Genetics
Classification: Uncertain significance for Inborn genetic diseases. Last evaluated: 2021-06-18. Review status: criteria provided, single submitter. Criteria: Ambry Variant Classification Scheme 2023. Collection method: clinical testing. Allele origin: germline.

NM_016343.4(CENPF):c.6937G>A (p.Asp2313Asn)

Gene: CENPF (centromere protein F; plus strand). Cytogenetic location: 1q41.
Variant type: single nucleotide variant.
Coding change: c.6937G>A on transcript NM_016343.4 (MANE Select); coding-DNA position 6937, G replaced by A.
Protein change: p.Asp2313Asn; replaces aspartic acid 2313 with asparagine.
Molecular consequence: missense variant.
Genome position (GRCh38, 1-based): chr1:214,646,507, G>A. VCF-style: chr1-214646507-G-A. GRCh37 (hg19) VCF-style: chr1-214819850-G-A.
Other names: short protein forms D2313N.
Identifiers: ClinVar variation 732750 (VCV000732750.33), dbSNP rs138428805, ClinGen allele CA1391040.
Genomic context (GRCh38, chr1:214,646,507, plus strand): 5'-ATAGAGGAAGAGCATCAGCTGAGAAATAGCATTGAAAAGCTGAGAGCCCGCCTAGAAGCT[G>A]ATGAAAAGAAGCAGCTCTGTGTCTTACAACAACTGAAGGAAAGTGAGCATCATGCAGATT-3'
Protein context (NP_057427.3, residues 2303-2323): IEKLRARLEA[Asp2313Asn]EKKQLCVLQQ